The following is an entry in ClinVar:

NM_002485.5(NBN):c.626del (p.Asn209fs)

Gene: NBN (nibrin; minus strand). Cytogenetic location: 8q21.3.
Variant type: Deletion.
Coding change: c.626del on transcript NM_002485.5 (MANE Select); coding-DNA position 626, one base deleted (A; older notation c.626delA).
Protein change: p.Asn209fs; shifts the reading frame from asparagine 209.
Molecular consequence: frameshift variant.
Genome position (GRCh38, 1-based): chr8:89,971,249, T deleted on the plus strand (A on the coding strand, the reverse complement: NBN is on the minus strand); the first of 5 consecutive T bases (chr8:89,971,249-89,971,253); deleting any one gives the same sequence. VCF-style (leftmost placement, unchanged base first): chr8-89971248-AT-A. GRCh37 (hg19) VCF-style: chr8-90983476-AT-A.
Other names: c.380del, p.Asn127fs (NM_001024688.3); short protein forms N127fs, N209fs.
Identifiers: ClinVar variation 1458891 (VCV001458891.6), dbSNP rs2129838943, ClinGen allele CA2573143440.
Genomic context (GRCh38, chr8:89,971,248, plus strand): 5'-AAATATAAATGTTTTCCCTTTGAAGATTTGTTTTCTTTCCTGCCGTCCTGACAGATCAAC[AT>A]TTTTACTTCCAATAGATGGTTCATCAAGAGGTGGGTAAAAACTGTAAAAATAATTAAAGT-3'

ClinVar aggregate classification (germline): Pathogenic (1 of 4 stars; one submission).

Conditions:
Microcephaly, normal intelligence and immunodeficiency (NBS). Also called: BERLIN BREAKAGE SYNDROME; Immunodeficiency, microcephaly with normal intelligence; IMMUNODEFICIENCY, MICROCEPHALY, AND CHROMOSOMAL INSTABILITY; SEEMANOVA SYNDROME II; Ataxia telangiectasia variant V1; Nijmegen breakage syndrome. Identifiers: Orphanet 647, MedGen C0398791, MONDO:0009623, OMIM 251260.

Submission:

Labcorp Genetics (formerly Invitae), Labcorp
Classification: Pathogenic for Microcephaly, normal intelligence and immunodeficiency. Last evaluated: 2021-11-14. Review status: criteria provided, single submitter. Criteria: Invitae Variant Classification Sherloc (09022015). Collection method: clinical testing. Allele origin: germline.
Comment: This sequence change creates a premature translational stop signal (p.Asn209Metfs*22) in the NBN gene. It is expected to result in an absent or disrupted protein product. Loss-of-function variants in NBN are known to be pathogenic (PMID: 9590180, 16415040). This variant is not present in population databases (gnomAD no frequency). This variant has not been reported in the literature in individuals affected with NBN-related conditions. For these reasons, this variant has been classified as Pathogenic.

Literature cited by the submitters: PubMed 9590180; PubMed 16415040.